The following is an entry in ClinVar:

NM_001482.3(GATM):c.1010_1015del (p.Ile337_Ile338del)

Gene: GATM (glycine amidinotransferase; minus strand). Cytogenetic location: 15q21.1.
Variant type: Deletion.
Coding change: c.1010_1015del on transcript NM_001482.3 (MANE Select); coding-DNA positions 1010 to 1015, 6 bases deleted (TCATTA; older notation c.1010_1015delTCATTA).
Protein change: p.Ile337_Ile338del.
Genome position (GRCh38, 1-based): chr15:45,364,824-45,364,829, TAATGA deleted on the plus strand (TCATTA on the coding strand, the reverse complement: GATM is on the minus strand); deleting any 6 consecutive bases within chr15:45,364,824-45,364,831 gives the same sequence; the c. name uses the placement nearest the transcript's 3' end. VCF-style (leftmost placement, unchanged base first): chr15-45364823-GTAATGA-G. GRCh37 (hg19) VCF-style: chr15-45657021-GTAATGA-G.
Other names: c.623_628del, p.Ile208_Ile209del (NM_001321015.2).
Identifiers: ClinVar variation 3647978 (VCV003647978.2).
Genomic context (GRCh38, chr15:45,364,823, plus strand): 5'-ATTTTAGTCTAACAGTGTATGAAAGTAAACATACCGTCTGGGATGATTGGTGTTGGAGGA[GTAATGA>G]TAGTCCATCCTGCTTTCTTGAAAAGATCAATCTGTAAGACCAAAAAAAACCCCCAAAACC-3'

ClinVar aggregate classification (germline): Uncertain significance (1 of 4 stars; one submission).

Conditions:
Arginine:glycine amidinotransferase deficiency (CCDS3). Also called: Creatine deficiency syndrome due to AGAT deficiency; GATM deficiency; AGAT deficiency; L-Arginine:Glycine Amidinotransferase Deficiency; L-Arginine:Glycine Amidinotransferase (AGAT) Deficiency; Cerebral creatine deficiency syndrome 3. Identifiers: Orphanet 35704, MedGen C2675179, MONDO:0012996, OMIM 612718.

Submission:

Labcorp Genetics (formerly Invitae), Labcorp
Classification: Uncertain significance for Arginine:glycine amidinotransferase deficiency. Last evaluated: 2024-03-28. Review status: criteria provided, single submitter. Criteria: Invitae Variant Classification Sherloc (09022015). Collection method: clinical testing. Allele origin: germline.
Comment: This variant, c.1010_1015del, results in the deletion of 2 amino acid(s) of the GATM protein (p.Ile337_Ile338del), but otherwise preserves the integrity of the reading frame. This variant is not present in population databases (gnomAD no frequency). This variant has not been reported in the literature in individuals affected with GATM-related conditions. Experimental studies and prediction algorithms are not available or were not evaluated, and the functional significance of this variant is currently unknown. In summary, the available evidence is currently insufficient to determine the role of this variant in disease. Therefore, it has been classified as a Variant of Uncertain Significance.